The following is an entry in ClinVar:

NM_005219.5(DIAPH1):c.2091T>A (p.Ser697Arg)

Gene: DIAPH1 (diaphanous related formin 1; minus strand). Cytogenetic location: 5q31.3.
Variant type: single nucleotide variant.
Coding change: c.2091T>A on transcript NM_005219.5 (MANE Select); coding-DNA position 2091, T replaced by A.
Protein change: p.Ser697Arg; replaces serine 697 with arginine.
Molecular consequence: missense variant.
Genome position (GRCh38, 1-based): chr5:141,573,759, A>T on the plus strand (T>A on the coding strand, the complement: DIAPH1 is on the minus strand). VCF-style: chr5-141573759-A-T. GRCh37 (hg19) VCF-style: chr5-140953326-A-T.
Other names: c.2064T>A, p.Ser688Arg (NM_001079812.3); c.2091T>A, p.Ser697Arg (NM_001314007.2); short protein forms S688R, S697R.
Identifiers: ClinVar variation 2946636 (VCV002946636.3), dbSNP rs2513739806, ClinGen allele CA361518339.
Genomic context (GRCh38, chr5:141,573,759, plus strand): 5'-AGGAGGAGGTGGCATTCCTGCTTCTCCAGGCAAGGGAGGAGGTGGGGGGGGAATTCCAGC[A>T]CTCCCAGGCAAAGGAGGTGGTGGTGGGGGGATTCTAGCACTCCCAGGCAAAGGAGGAGGT-3'
Protein context (NP_005210.3, residues 687-707): IPPPPPPLPG[Ser697Arg]AGIPPPPPPL

ClinVar aggregate classification (germline): Uncertain significance (1 of 4 stars; one submission).

Conditions:
Autosomal dominant nonsyndromic hearing loss 1. Also called: KONIGSMARK SYNDROME; DEAFNESS, AUTOSOMAL DOMINANT 1, WITH OR WITHOUT THROMBOCYTOPENIA. Identifiers: Orphanet 90635, MedGen C1852282, MONDO:0007424, OMIM 124900.
Progressive microcephaly-seizures-cortical blindness-developmental delay syndrome. Also called: Seizures, cortical blindness, and microcephaly syndrome. Identifiers: Orphanet 477814, MedGen C5567650, MONDO:0014714, OMIM 616632.

Submission:

Labcorp Genetics (formerly Invitae), Labcorp
Classification: Uncertain significance for Progressive microcephaly-seizures-cortical blindness-developmental delay syndrome; Autosomal dominant nonsyndromic hearing loss 1. Last evaluated: 2024-10-25. Review status: criteria provided, single submitter. Criteria: Invitae Variant Classification Sherloc (09022015). Collection method: clinical testing. Allele origin: germline.
Comment: This sequence change replaces serine, which is neutral and polar, with arginine, which is basic and polar, at codon 697 of the DIAPH1 protein (p.Ser697Arg). This variant is not present in population databases (gnomAD no frequency). This variant has not been reported in the literature in individuals affected with DIAPH1-related conditions. Experimental studies and prediction algorithms are not available or were not evaluated, and the functional significance of this variant is currently unknown. In summary, the available evidence is currently insufficient to determine the role of this variant in disease. Therefore, it has been classified as a Variant of Uncertain Significance.